The following is an entry in ClinVar:

ClinVar aggregate classification (germline): Uncertain significance. Review status: criteria provided, multiple submitters, no conflicts (2 of 4 stars). 2 submissions from 2 submitters: Uncertain significance (2). Last evaluated 2022-04-19.

Conditions:
Adenosine kinase deficiency. Also called: Hypermethioninemia due to adenosine kinase deficiency; MENTAL RETARDATION, AUTOSOMAL RECESSIVE 8. Identifiers: Orphanet 289290, Orphanet 88616, MedGen C4706555, MONDO:0100255, OMIM 614300.

Allele frequency attached by ClinVar (database versions not stated): TOPMed below 0.00001; ExAC 0.00001; gnomAD 0.00001; gnomAD exomes 0.00001.
gnomAD v4.1: 16 of 1,612,916 alleles (0.00099%); highest among the groups gnomAD compares: Non-Finnish European, 0.0014%; no homozygotes.

Submissions (2):

Labcorp Genetics (formerly Invitae), Labcorp
Classification: Uncertain significance. Last evaluated: 2022-04-19. Review status: criteria provided, single submitter. Criteria: Invitae Variant Classification Sherloc (09022015). Collection method: clinical testing. Allele origin: germline.
Comment: This sequence change replaces lysine, which is basic and polar, with glutamic acid, which is acidic and polar, at codon 57 of the ADK protein (p.Lys57Glu). This variant is present in population databases (rs201786575, gnomAD 0.003%). This variant has not been reported in the literature in individuals affected with ADK-related conditions. ClinVar contains an entry for this variant (Variation ID: 300836). Algorithms developed to predict the effect of missense changes on protein structure and function (SIFT, PolyPhen-2, Align-GVGD) all suggest that this variant is likely to be tolerated. In summary, the available evidence is currently insufficient to determine the role of this variant in disease. Therefore, it has been classified as a Variant of Uncertain Significance.

Illumina Laboratory Services, Illumina
Classification: Uncertain significance for Adenosine kinase deficiency. Last evaluated: 2018-01-13. Review status: criteria provided, single submitter. Criteria: ICSL Variant Classification Criteria 13 December 2019. Collection method: clinical testing. Allele origin: germline.

NM_006721.4(ADK):c.220A>G (p.Lys74Glu)

Gene: ADK (adenosine kinase; plus strand). Cytogenetic location: 10q22.2.
Variant type: single nucleotide variant.
Coding change: c.220A>G on transcript NM_006721.4 (MANE Select); coding-DNA position 220, A replaced by G.
Protein change: p.Lys74Glu; replaces lysine 74 with glutamic acid.
Molecular consequence: missense variant.
Genome position (GRCh38, 1-based): chr10:74,314,692, A>G. VCF-style: chr10-74314692-A-G. GRCh37 (hg19) VCF-style: chr10-76074450-A-G.
Other names: c.169A>G, p.Lys57Glu (NM_001123.4, NM_001369124.1); c.115A>G, p.Lys39Glu (NM_001202449.2); c.220A>G, p.Lys74Glu (NM_001202450.2, NM_001369123.1); short protein forms K57E, K74E, K39E.
Identifiers: ClinVar variation 300836 (VCV000300836.9), dbSNP rs201786575, ClinGen allele CA5563904.